The following is an entry in ClinVar:

NM_001009944.3(PKD1):c.960del (p.Ala321fs)

Gene: PKD1 (polycystin 1, transient receptor potential channel interacting; minus strand). Cytogenetic location: 16p13.3.
Variant type: Deletion.
Coding change: c.960del on transcript NM_001009944.3 (MANE Select); coding-DNA position 960, one base deleted (T; older notation c.960delT).
Protein change: p.Ala321fs; shifts the reading frame from alanine 321.
Molecular consequence: frameshift variant.
Genome position (GRCh38, 1-based): chr16:2,118,032, A deleted on the plus strand (T on the coding strand, the reverse complement: PKD1 is on the minus strand). VCF-style (leftmost placement, unchanged base first): chr16-2118031-CA-C. GRCh37 (hg19) VCF-style: chr16-2168032-CA-C.
Other names: c.960del, p.Ala321fs (NM_000296.4); short protein forms A321fs.
Identifiers: ClinVar variation 3899328 (VCV003899328.2).

ClinVar aggregate classification (germline): Pathogenic (1 of 4 stars; one submission).

Conditions:
Polycystic kidney disease, adult type (PKD1). Also called: POLYCYSTIC KIDNEY DISEASE 1 WITH OR WITHOUT POLYCYSTIC LIVER DISEASE; POLYCYSTIC KIDNEY DISEASE, ADULT, TYPE I; Polycystic Kidney Disease 1, Autosomal Dominant; Polycystic kidney disease 1; Polycystic kidney disease 1, severe; Polycystic Kidney, Autosomal Dominant. Identifiers: MedGen C3149841, MONDO:0008263, OMIM 173900.

Submission:

Juno Genomics, Hangzhou Juno Genomics, Inc
Classification: Pathogenic for Polycystic kidney disease, adult type. Review status: criteria provided, single submitter. Criteria: ACMG Guidelines, 2015. Collection method: clinical testing. Allele origin: germline. Affected: yes.
Comment: Absent from controls (or at extremely low frequency if recessive) in Genome Aggregation Database, Exome Sequencing Project, 1000 Genomes Project, or Exome Aggregation Consortium.;Null variant in a gene where loss of function (LOF) is a known mechanism of disease.;Patient's phenotype or family history is highly specific for a disease with a single genetic etiology.